The following is an entry in ClinVar:

NM_001165963.4(SCN1A):c.842C>T (p.Pro281Leu)

Gene: SCN1A (sodium voltage-gated channel alpha subunit 1; minus strand). Cytogenetic location: 2q24.3.
Variant type: single nucleotide variant.
Coding change: c.842C>T on transcript NM_001165963.4 (MANE Select); coding-DNA position 842, C replaced by T.
Protein change: p.Pro281Leu; replaces proline 281 with leucine.
Molecular consequence: missense variant. On other transcripts: 5 prime UTR variant (1), non-coding transcript variant (1).
Genome position (GRCh38, 1-based): chr2:166,051,841, G>A on the plus strand (C>T on the coding strand, the complement: SCN1A is on the minus strand). VCF-style: chr2-166051841-G-A. GRCh37 (hg19) VCF-style: chr2-166908351-G-A.
Other names: p.P281L:CCT>CTT; c.842C>T, p.Pro281Leu (NM_001165964.3, NM_001202435.3, NM_001353948.2 and 10 more transcripts); c.-1584C>T (NM_001353961.2); short protein forms P281L.
Identifiers: ClinVar variation 206750 (VCV000206750.42), dbSNP rs796052964, ClinGen allele CA317168.

ClinVar aggregate classification (germline): Pathogenic. Review status: criteria provided, multiple submitters, no conflicts (2 of 4 stars). 3 submissions from 3 submitters: Pathogenic (3). Last evaluated 2025-09-24.

Conditions:
Severe myoclonic epilepsy in infancy (DRVT). Also called: Epileptic encephalopathy, early infantile, 6 (Dravet syndrome); DEVELOPMENTAL AND EPILEPTIC ENCEPHALOPATHY 6A; Severe Myoclonic Epilepsy in Infancy (SMEI); SEVERE MYOCLONIC EPILEPSY OF INFANCY; Dravet syndrome. Identifiers: Orphanet 33069, MedGen C0751122, MONDO:0100135, OMIM 607208.

Submissions (3):

Genesolutions, Medical Genetics Institutes, Ho Chi Minh City, Vietnam
Classification: Pathogenic for Severe myoclonic epilepsy in infancy. Last evaluated: 2025-09-24. Review status: criteria provided, single submitter. Criteria: ACMG Guidelines, 2015. Collection method: clinical testing. Allele origin: germline. Affected: yes.

CeGaT Center for Human Genetics Tuebingen
Classification: Pathogenic. Last evaluated: 2020-04-01. Review status: criteria provided, single submitter. Criteria: CeGaT Center For Human Genetics Tuebingen Variant Classification Criteria Version 2. Collection method: clinical testing. Allele origin: germline. Affected: yes. Observed: 1 variant allele.

GeneDx
Classification: Pathogenic. Last evaluated: 2013-04-15. Review status: criteria provided, single submitter. Criteria: GeneDx Variant Classification (06012015). Collection method: clinical testing. Allele origin: germline. Affected: yes.
Comment: p.Pro281Leu (CCT>CTT): c.842 C>T in exon 6 of the SCN1A gene (NM_001165963.1) The Pro281Leu missense mutation in the SCN1A gene has been previously reported as a de novo mutation in an individual with Dravet syndrome (Depienne et al., 2009). The amino acid substitution is semi-conservative as both Proline and Leucine are uncharged, non-polar amino acid residues but the loss of a Proline may affect the secondary structure of the SCN1A protein. Pro281Leu alters a conserved position in the protein and other missense mutations at the same codon (Pro281Ser and Pro281Ala) have been reported in association with SCN1A-related disorders (Depienne et al., 2009). The variant is found in INFANT-EPI panel(s).